The following is an entry in ClinVar:

NM_144672.4(OTOA):c.662A>T (p.Asp221Val)

Gene: OTOA (otoancorin). Cytogenetic location: 16p12.2.
Variant type: single nucleotide variant.
Coding change: c.662A>T on transcript NM_144672.4 (MANE Select); coding-DNA position 662, A replaced by T.
Protein change: p.Asp221Val; replaces aspartic acid 221 with valine.
Molecular consequence: missense variant.
Genome position (GRCh38, 1-based): chr16:21,691,610, A>T. VCF-style: chr16-21691610-A-T. GRCh37 (hg19) VCF-style: chr16-21702931-A-T.
Other names: c.425A>T, p.Asp142Val (NM_001161683.2); short protein forms D142V, D221V.
Identifiers: ClinVar variation 3777557 (VCV003777557.1).

ClinVar aggregate classification (germline): Uncertain significance (1 of 4 stars; one submission).

Submission:

GeneDx
Classification: Uncertain significance. Last evaluated: 2024-10-10. Review status: criteria provided, single submitter. Criteria: GeneDx Variant Classification Process June 2021. Collection method: clinical testing. Allele origin: germline. Affected: yes.
Comment: Not observed at significant frequency in large population cohorts (gnomAD); In silico analysis supports that this missense variant has a deleterious effect on protein structure/function; Has not been previously published as pathogenic or benign to our knowledge